The following is an entry in ClinVar:

ClinVar aggregate classification (germline): Uncertain significance (1 of 4 stars; one submission).

Conditions:
KDM3B-related disorder. Also called: KDM3B-related condition.

Allele frequency attached by ClinVar (database versions not stated): gnomAD 0.00001.
gnomAD v4.1: 12 of 1,614,016 alleles (0.00074%); highest among the groups gnomAD compares: Non-Finnish European, 0.00093%; no homozygotes.

Submission:

PreventionGenetics, part of Exact Sciences
Classification: Uncertain significance for KDM3B-related condition. Last evaluated: 2023-04-13. Review status: criteria provided, single submitter. Criteria: ACMG Guidelines, 2015. Collection method: clinical testing. Allele origin: germline.
Comment: The KDM3B c.1231G>C variant is predicted to result in the amino acid substitution p.Glu411Gln. To our knowledge, this variant has not been reported in the literature or in a large population database, indicating this variant is rare. At this time, the clinical significance of this variant is uncertain due to the absence of conclusive functional and genetic evidence.

NM_016604.4(KDM3B):c.1231G>C (p.Glu411Gln)

Gene: KDM3B (lysine demethylase 3B; plus strand). Cytogenetic location: 5q31.2.
Variant type: single nucleotide variant.
Coding change: c.1231G>C on transcript NM_016604.4 (MANE Select); coding-DNA position 1231, G replaced by C.
Protein change: p.Glu411Gln; replaces glutamic acid 411 with glutamine.
Molecular consequence: missense variant.
Genome position (GRCh38, 1-based): chr5:138,386,472, G>C. VCF-style: chr5-138386472-G-C. GRCh37 (hg19) VCF-style: chr5-137722161-G-C.
Other names: short protein forms E411Q.
Identifiers: ClinVar variation 2636771 (VCV002636771.1), dbSNP rs748515665, ClinGen allele CA361101736.